The following is an entry in ClinVar:

NM_006393.3(NEBL):c.721G>A (p.Asp241Asn)

Gene: NEBL (nebulette; minus strand). Cytogenetic location: 10p12.31.
Variant type: single nucleotide variant.
Coding change: c.721G>A on transcript NM_006393.3 (MANE Select); coding-DNA position 721, G replaced by A.
Protein change: p.Asp241Asn; replaces aspartic acid 241 with asparagine.
Molecular consequence: missense variant. On other transcripts: intron variant (9).
Genome position (GRCh38, 1-based): chr10:20,859,790, C>T on the plus strand (G>A on the coding strand, the complement: NEBL is on the minus strand). VCF-style: chr10-20859790-C-T. GRCh37 (hg19) VCF-style: chr10-21148719-C-T.
Other names: c.250-46850G>A (NM_001377326.1, NM_001377327.1, NM_001377328.1); c.358-46850G>A (NM_213569.2, NM_001173484.2, NM_001377322.1); c.301-46850G>A (NM_001377324.1); c.292-46850G>A (NM_001377325.1); c.310-46850G>A (NM_001377323.1); short protein forms D241N.
Identifiers: ClinVar variation 942920 (VCV000942920.11), dbSNP rs372364915, ClinGen allele CA5433127.

ClinVar aggregate classification (germline): Uncertain significance. Review status: criteria provided, multiple submitters, no conflicts (2 of 4 stars). 2 submissions from 2 submitters: Uncertain significance (2). Last evaluated 2025-11-24.

Conditions:
Primary dilated cardiomyopathy (DCM). Also called: Dilated Cardiomyopathy. Identifiers: Orphanet 217604, MedGen C0007193, MeSH D002311, MONDO:0005021, HP:0001644. Inheritance: Various modes of inheritance.

Allele frequency attached by ClinVar (database versions not stated): gnomAD exomes 0.00002; ExAC 0.00003; gnomAD 0.00003 and 0.00004; TOPMed 0.00006; ESP Exome Variant Server 0.00015.

Submissions (2):

Labcorp Genetics (formerly Invitae), Labcorp
Classification: Uncertain significance for Primary dilated cardiomyopathy. Last evaluated: 2025-11-24. Review status: criteria provided, single submitter. Criteria: Invitae Variant Classification Sherloc (09022015). Collection method: clinical testing. Allele origin: germline.
Comment: This sequence change replaces aspartic acid, which is acidic and polar, with asparagine, which is neutral and polar, at codon 241 of the NEBL protein (p.Asp241Asn). This variant is present in population databases (rs372364915, gnomAD 0.03%). This variant has not been reported in the literature in individuals affected with NEBL-related conditions. ClinVar contains an entry for this variant (Variation ID: 942920). An algorithm developed to predict the effect of missense changes on protein structure and function (PolyPhen-2) suggests that this variant is likely to be tolerated. In summary, the available evidence is currently insufficient to determine the role of this variant in disease. Therefore, it has been classified as a Variant of Uncertain Significance.

Ambry Genetics
Classification: Uncertain significance. Last evaluated: 2024-09-11. Review status: criteria provided, single submitter. Criteria: Ambry Variant Classification Scheme 2023. Collection method: clinical testing. Allele origin: germline.
Comment: The p.D241N variant (also known as c.721G>A), located in coding exon 8 of the NEBL gene, results from a G to A substitution at nucleotide position 721. The aspartic acid at codon 241 is replaced by asparagine, an amino acid with highly similar properties. This amino acid position is conserved. In addition, this alteration is predicted to be tolerated by in silico analysis. Based on the available evidence, the clinical significance of this variant remains unclear.